The following is an entry in ClinVar:

NM_000525.4(KCNJ11):c.784G>A (p.Asp262Asn)

Gene: KCNJ11 (potassium inwardly rectifying channel subfamily J member 11; minus strand). Cytogenetic location: 11p15.1.
Variant type: single nucleotide variant.
Coding change: c.784G>A on transcript NM_000525.4 (MANE Select); coding-DNA position 784, G replaced by A.
Protein change: p.Asp262Asn; replaces aspartic acid 262 with asparagine.
Molecular consequence: missense variant.
Genome position (GRCh38, 1-based): chr11:17,387,308, C>T on the plus strand (G>A on the coding strand, the complement: KCNJ11 is on the minus strand). VCF-style: chr11-17387308-C-T. GRCh37 (hg19) VCF-style: chr11-17408855-C-T.
Other names: c.523G>A, p.Asp175Asn (NM_001166290.2, NM_001377296.1, NM_001377297.1); short protein forms D175N, D262N.
Identifiers: ClinVar variation 2305396 (VCV002305396.4), dbSNP rs1953577404, ClinGen allele CA379770767.

ClinVar aggregate classification (germline): Uncertain significance. Review status: criteria provided, multiple submitters, no conflicts (2 of 4 stars). 2 submissions from 2 submitters: Uncertain significance (2). Last evaluated 2026-08-21.

Conditions:
Inborn genetic diseases. Identifiers: MedGen C0950123, MeSH D030342.

Allele frequency attached by ClinVar (database versions not stated): TOPMed 0.00002; gnomAD exomes below 0.00001.
gnomAD v4.1: 4 of 1,613,988 alleles (0.00025%); highest among the groups gnomAD compares: Non-Finnish European, 0.000085%; no homozygotes.

Submissions (2):

Ambry Genetics
Classification: Uncertain significance for Inborn genetic diseases. Last evaluated: 2026-08-21. Review status: criteria provided, single submitter. Criteria: Ambry Variant Classification Scheme 2023. Collection method: clinical testing. Allele origin: germline.

Labcorp Genetics (formerly Invitae), Labcorp
Classification: Uncertain significance. Last evaluated: 2026-01-12. Review status: criteria provided, single submitter. Criteria: Invitae Variant Classification Sherloc (09022015). Collection method: clinical testing. Allele origin: germline.
Comment: This sequence change replaces aspartic acid, which is acidic and polar, with asparagine, which is neutral and polar, at codon 262 of the KCNJ11 protein (p.Asp262Asn). This variant is not present in population databases (gnomAD no frequency). This variant has not been reported in the literature in individuals affected with KCNJ11-related conditions. ClinVar contains an entry for this variant (Variation ID: 2305396). Invitae Evidence Modeling of protein sequence and biophysical properties (such as structural, functional, and spatial information, amino acid conservation, physicochemical variation, residue mobility, and thermodynamic stability) has been performed for this missense variant. However, the output from this modeling did not meet the statistical confidence thresholds required to predict the impact of this variant on KCNJ11 protein function. In summary, the available evidence is currently insufficient to determine the role of this variant in disease. Therefore, it has been classified as a Variant of Uncertain Significance.